The following is an entry in ClinVar:

ClinVar aggregate classification (germline): Uncertain significance (1 of 4 stars; one submission).

Allele frequency attached by ClinVar (database versions not stated): gnomAD exomes below 0.00001.
gnomAD v4.1: 1 of 1,612,324 alleles (0.000062%); highest among the groups gnomAD compares: Admixed American, 0.0017%; no homozygotes.

Submission:

Labcorp Genetics (formerly Invitae), Labcorp
Classification: Uncertain significance. Last evaluated: 2019-12-20. Review status: criteria provided, single submitter. Criteria: Invitae Variant Classification Sherloc (09022015). Collection method: clinical testing. Allele origin: germline.
Comment: This variant has not been reported in the literature in individuals with TOPORS-related conditions. This sequence change replaces glutamic acid with alanine at codon 15 of the TOPORS protein (p.Glu15Ala). The glutamic acid residue is moderately conserved and there is a moderate physicochemical difference between glutamic acid and alanine. This variant is not present in population databases (ExAC no frequency). Algorithms developed to predict the effect of missense changes on protein structure and function are either unavailable or do not agree on the potential impact of this missense change (SIFT: "Tolerated"; PolyPhen-2: "Probably Damaging"; Align-GVGD: "Class C0"). In summary, the available evidence is currently insufficient to determine the role of this variant in disease. Therefore, it has been classified as a Variant of Uncertain Significance.

NM_005802.5(TOPORS):c.44A>C (p.Glu15Ala)

Gene: TOPORS (TOP1 binding arginine/serine rich protein, E3 ubiquitin ligase; minus strand). Cytogenetic location: 9p21.1.
Variant type: single nucleotide variant.
Coding change: c.44A>C on transcript NM_005802.5 (MANE Select); coding-DNA position 44, A replaced by C.
Protein change: p.Glu15Ala; replaces glutamic acid 15 with alanine.
Molecular consequence: missense variant. On other transcripts: intron variant (1).
Genome position (GRCh38, 1-based): chr9:32,550,928, T>G on the plus strand (A>C on the coding strand, the complement: TOPORS is on the minus strand). VCF-style: chr9-32550928-T-G. GRCh37 (hg19) VCF-style: chr9-32550926-T-G.
Other names: c.3+1506A>C (NM_001195622.2); short protein forms E15A.
Identifiers: ClinVar variation 844177 (VCV000844177.10), dbSNP rs1323735656, ClinGen allele CA373173779.